The following is an entry in ClinVar:

NM_001035.3(RYR2):c.5637T>C (p.Gly1879=)

Gene: RYR2 (ryanodine receptor 2; plus strand). Cytogenetic location: 1q43.
Variant type: single nucleotide variant.
Coding change: c.5637T>C on transcript NM_001035.3 (MANE Select); coding-DNA position 5637, T replaced by C.
Protein change: p.Gly1879=; no amino-acid change (glycine 1879 retained).
Molecular consequence: synonymous variant.
Genome position (GRCh38, 1-based): chr1:237,614,765, T>C. VCF-style: chr1-237614765-T-C. GRCh37 (hg19) VCF-style: chr1-237778065-T-C.
Other names: c.5637T>C, p.Gly1879= (LRG_402t1).
Identifiers: ClinVar variation 518470 (VCV000518470.51), dbSNP rs751554639, ClinGen allele CA086922.

ClinVar aggregate classification (germline): Benign/Likely benign. Review status: criteria provided, multiple submitters, no conflicts (2 of 4 stars). 7 submissions from 7 submitters: Benign (1); Likely benign (6). Last evaluated 2025-05-19.

Conditions:
Cardiovascular phenotype. Identifiers: MedGen CN230736.
Catecholaminergic polymorphic ventricular tachycardia (CVPT). Also called: Catecholamine-induced polymorphic ventricular tachycardia. Identifiers: Orphanet 3286, MedGen C5574922, MONDO:0017990.
Cardiomyopathy (CMYO). Also called: Cardiomyopathies. Identifiers: Orphanet 167848, MedGen C0878544, MONDO:0004994, HP:0001638. Inheritance: Various modes of inheritance.
Catecholaminergic polymorphic ventricular tachycardia 1. Also called: RYR2-Related Catecholaminergic Polymorphic Ventricular Tachycardia; VENTRICULAR TACHYCARDIA, STRESS-INDUCED POLYMORPHIC 1; VENTRICULAR TACHYCARDIA, CATECHOLAMINERGIC POLYMORPHIC, 1, WITH OR WITHOUT ATRIAL DYSFUNCTION AND/OR DILATED CARDIOMYOPATHY. Identifiers: Orphanet 3286, MedGen C1631597, MONDO:0011484, OMIM 604772.

Allele frequency attached by ClinVar (database versions not stated): gnomAD 0.00001; TOPMed 0.00001; gnomAD exomes 0.00004; ExAC 0.00007.
gnomAD v4.1: 54 of 1,612,546 alleles (0.0033%); highest among the groups gnomAD compares: Non-Finnish European, 0.0046%; no homozygotes.

Submissions (7):

Labcorp Genetics (formerly Invitae), Labcorp
Classification: Likely benign for Catecholaminergic polymorphic ventricular tachycardia 1. Last evaluated: 2025-05-19. Review status: criteria provided, single submitter. Criteria: Invitae Variant Classification Sherloc (09022015). Collection method: clinical testing. Allele origin: germline.

Blueprint Genetics
Classification: Likely benign. Last evaluated: 2024-09-23. Review status: criteria provided, single submitter. Criteria: ACMG Guidelines, 2015. Collection method: clinical testing. Allele origin: germline.

All of Us Research Program, National Institutes of Health
Classification: Likely benign for Catecholaminergic polymorphic ventricular tachycardia. Last evaluated: 2023-08-15. Review status: criteria provided, single submitter. Criteria: ACMG Guidelines, 2015. Collection method: clinical testing. Allele origin: germline. Inheritance: Autosomal dominant inheritance. Observed: 4 variant alleles, 4 heterozygotes.
Comment: This study involves interpretation of variants in research participants for the purpose of population health screening. Participant phenotype was not available at the time of variant classification. Additional details can be found in publication PMID: 35346344, PMCID: PMC8962531

CeGaT Center for Human Genetics Tuebingen
Classification: Likely benign. Last evaluated: 2022-03-01. Review status: criteria provided, single submitter. Criteria: CeGaT Center For Human Genetics Tuebingen Variant Classification Criteria Version 2. Collection method: clinical testing. Allele origin: germline. Affected: yes. Observed: 1 variant allele.
Comment: RYR2: BP4, BP7

Color Diagnostics, LLC DBA Color Health
Classification: Likely benign for Cardiomyopathy. Last evaluated: 2020-09-15. Review status: criteria provided, single submitter. Criteria: ACMG Guidelines, 2015. Collection method: clinical testing. Allele origin: germline.

Ambry Genetics
Classification: Likely benign for Cardiovascular phenotype. Last evaluated: 2016-09-19. Review status: criteria provided, single submitter. Criteria: Ambry Variant Classification Scheme 2023. Collection method: clinical testing. Allele origin: germline.

GeneDx
Classification: Benign. Last evaluated: 2015-03-03. Review status: criteria provided, single submitter. Criteria: GeneDx Variant Classification Process June 2021. Collection method: clinical testing. Allele origin: germline. Affected: yes.